The following is an entry in ClinVar:

ClinVar aggregate classification (germline): Likely benign (0 of 4 stars; one submission).

Conditions:
GLB1-related disorder. Also called: GLB1-related disorders. Identifiers: MedGen CN377807.

Submission:

PreventionGenetics, part of Exact Sciences
Classification: Likely benign for GLB1-related condition. Last evaluated: 2019-06-17. Review status: no assertion criteria provided. Collection method: clinical testing. Allele origin: germline.
Comment: This variant is classified as likely benign based on ACMG/AMP sequence variant interpretation guidelines (Richards et al. 2015 PMID: 25741868, with internal and published modifications).

NM_000404.4(GLB1):c.1584A>C (p.Gly528=)

Gene: GLB1 (galactosidase beta 1; minus strand). Cytogenetic location: 3p22.3.
Variant type: single nucleotide variant.
Coding change: c.1584A>C on transcript NM_000404.4 (MANE Select); coding-DNA position 1584, A replaced by C.
Protein change: p.Gly528=; no amino-acid change (glycine 528 retained).
Molecular consequence: synonymous variant.
Genome position (GRCh38, 1-based): chr3:33,014,206, T>G on the plus strand (A>C on the coding strand, the complement: GLB1 is on the minus strand). VCF-style: chr3-33014206-T-G. GRCh37 (hg19) VCF-style: chr3-33055698-T-G.
Other names: c.1494A>C, p.Gly498= (NM_001079811.3); c.1191A>C, p.Gly397= (NM_001135602.3); c.1728A>C, p.Gly576= (NM_001317040.2); c.1584A>C, p.Gly528= (NM_001393580.1).
Identifiers: ClinVar variation 3033373 (VCV003033373.2), dbSNP rs761521415, ClinGen allele CA432952694.
Genomic context (GRCh38, chr3:33,014,206, plus strand): 5'-GAGCGTGTAGTTGGATGAGTTGTGGGCCCAGGCTTCATCATGGTGGCCACTGTCACGGTG[T>G]CCCCAGCCCCCCAGGTGGCTGCACACTGCATCCTCAGTGTCCAGTGGAAAGATCGTCCAG-3'
Protein context (NP_000395.3, residues 518-538): DAVCSHLGGW[Gly528=]HRDSGHHDEA